The following is an entry in ClinVar:

NM_000405.5(GM2A):c.505C>T (p.Arg169Cys)

Gene: GM2A (ganglioside GM2 activator; plus strand). Cytogenetic location: 5q33.1.
Variant type: single nucleotide variant.
Coding change: c.505C>T on transcript NM_000405.5 (MANE Select); coding-DNA position 505, C replaced by T.
Protein change: p.Arg169Cys; replaces arginine 169 with cysteine.
Molecular consequence: missense variant. On other transcripts: intron variant (1).
Genome position (GRCh38, 1-based): chr5:151,267,374, C>T. VCF-style: chr5-151267374-C-T. GRCh37 (hg19) VCF-style: chr5-150646935-C-T.
Other names: c.413-118C>T (NM_001167607.3); short protein forms R169C.
Identifiers: ClinVar variation 2161294 (VCV002161294.2), dbSNP rs761616890, ClinGen allele CA3517984.

ClinVar aggregate classification (germline): Uncertain significance (1 of 4 stars; one submission).

Conditions:
Tay-Sachs disease, variant AB. Also called: Gm2-gangliosidosis, ab variant; GM2 Activator Deficiency. Identifiers: Orphanet 309246, MedGen C0268275, MONDO:0010099, OMIM 272750.

Allele frequency attached by ClinVar (database versions not stated): gnomAD 0.00003.
gnomAD v4.1: 42 of 1,614,036 alleles (0.0026%); highest among the groups gnomAD compares: South Asian, 0.0055%; no homozygotes.

Submission:

Labcorp Genetics (formerly Invitae), Labcorp
Classification: Uncertain significance for Tay-Sachs disease, variant AB. Last evaluated: 2022-02-17. Review status: criteria provided, single submitter. Criteria: Invitae Variant Classification Sherloc (09022015). Collection method: clinical testing. Allele origin: germline.
Comment: In summary, the available evidence is currently insufficient to determine the role of this variant in disease. Therefore, it has been classified as a Variant of Uncertain Significance. Algorithms developed to predict the effect of sequence changes on RNA splicing suggest that this variant is not likely to affect RNA splicing. Algorithms developed to predict the effect of missense changes on protein structure and function (SIFT, PolyPhen-2, Align-GVGD) all suggest that this variant is likely to be disruptive. This variant has not been reported in the literature in individuals affected with GM2A-related conditions. This variant is present in population databases (rs761616890, gnomAD 0.007%). This sequence change replaces arginine, which is basic and polar, with cysteine, which is neutral and slightly polar, at codon 169 of the GM2A protein (p.Arg169Cys).